The following is an entry in ClinVar:

NM_013336.4(SEC61A1):c.1176G>C (p.Lys392Asn)

Genes: RUVBL1 (RuvB like AAA ATPase 1; minus strand), SEC61A1 (SEC61 translocon subunit alpha 1; plus strand). Cytogenetic location: 3q21.3.
Variant type: single nucleotide variant.
Coding change: c.1176G>C on transcript NM_013336.4 (MANE Select); coding-DNA position 1176, G replaced by C.
Protein change: p.Lys392Asn; replaces lysine 392 with asparagine.
Molecular consequence: missense variant. On other transcripts: intron variant (1).
Genome position (GRCh38, 1-based): chr3:128,067,991, G>C. VCF-style: chr3-128067991-G-C. GRCh37 (hg19) VCF-style: chr3-127786834-G-C.
Other names: c.1194G>C, p.Lys398Asn (NM_001400328.1); c.1017G>C, p.Lys339Asn (NM_001400329.1); c.940-2771C>G (NM_001319086.1); short protein forms K339N, K392N, K398N.
Identifiers: ClinVar variation 1716581 (VCV001716581.6), dbSNP rs2473048013, ClinGen allele CA354401769.

ClinVar aggregate classification (germline): Uncertain significance (1 of 4 stars; one submission).

Submission:

Labcorp Genetics (formerly Invitae), Labcorp
Classification: Uncertain significance. Last evaluated: 2022-08-17. Review status: criteria provided, single submitter. Criteria: Invitae Variant Classification Sherloc (09022015). Collection method: clinical testing. Allele origin: germline.
Comment: This sequence change replaces lysine, which is basic and polar, with asparagine, which is neutral and polar, at codon 392 of the SEC61A1 protein (p.Lys392Asn). This variant is not present in population databases (gnomAD no frequency). This variant has not been reported in the literature in individuals affected with SEC61A1-related conditions. Algorithms developed to predict the effect of missense changes on protein structure and function (SIFT, PolyPhen-2, Align-GVGD) all suggest that this variant is likely to be disruptive. In summary, the available evidence is currently insufficient to determine the role of this variant in disease. Therefore, it has been classified as a Variant of Uncertain Significance.